The following is an entry in ClinVar:

NM_002439.5(MSH3):c.1798G>T (p.Val600Phe)

Gene: MSH3 (mutS homolog 3; plus strand). Cytogenetic location: 5q14.1.
Variant type: single nucleotide variant.
Coding change: c.1798G>T on transcript NM_002439.5 (MANE Select); coding-DNA position 1798, G replaced by T.
Protein change: p.Val600Phe; replaces valine 600 with phenylalanine.
Molecular consequence: missense variant.
Genome position (GRCh38, 1-based): chr5:80,761,580, G>T. VCF-style: chr5-80761580-G-T. GRCh37 (hg19) VCF-style: chr5-80057399-G-T.
Other names: short protein forms V600F.
Identifiers: ClinVar variation 1037625 (VCV001037625.11), dbSNP rs1580027482, ClinGen allele CA360276536.

ClinVar aggregate classification (germline): Uncertain significance. Review status: criteria provided, multiple submitters, no conflicts (2 of 4 stars). 2 submissions from 2 submitters: Uncertain significance (2). Last evaluated 2021-11-24.

Conditions:
Hereditary cancer-predisposing syndrome. Also called: Neoplastic Syndromes, Hereditary; Hereditary Cancer Syndrome; Tumor predisposition; Hereditary neoplastic syndrome. Identifiers: Orphanet 140162, MedGen C0027672, MeSH D009386, MONDO:0015356.

Submissions (2):

Ambry Genetics
Classification: Uncertain significance for Hereditary cancer-predisposing syndrome. Last evaluated: 2021-11-24. Review status: criteria provided, single submitter. Criteria: Ambry Variant Classification Scheme 2023. Collection method: clinical testing. Allele origin: germline.
Comment: The p.V600F variant (also known as c.1798G>T), located in coding exon 13 of the MSH3 gene, results from a G to T substitution at nucleotide position 1798. The valine at codon 600 is replaced by phenylalanine, an amino acid with highly similar properties. This amino acid position is conserved. In addition, the in silico prediction for this alteration is inconclusive. Since supporting evidence is limited at this time, the clinical significance of this alteration remains unclear.

Labcorp Genetics (formerly Invitae), Labcorp
Classification: Uncertain significance. Last evaluated: 2020-09-15. Review status: criteria provided, single submitter. Criteria: Invitae Variant Classification Sherloc (09022015). Collection method: clinical testing. Allele origin: germline.
Comment: In summary, the available evidence is currently insufficient to determine the role of this variant in disease. Therefore, it has been classified as a Variant of Uncertain Significance. Algorithms developed to predict the effect of missense changes on protein structure and function are either unavailable or do not agree on the potential impact of this missense change (SIFT: "Deleterious"; PolyPhen-2: "Benign"; Align-GVGD: "Class C0"). This variant has not been reported in the literature in individuals with MSH3-related conditions. This variant is not present in population databases (ExAC no frequency). This sequence change replaces valine with phenylalanine at codon 600 of the MSH3 protein (p.Val600Phe). The valine residue is moderately conserved and there is a small physicochemical difference between valine and phenylalanine.